The following is an entry in ClinVar:

ClinVar aggregate classification (germline): Uncertain significance (1 of 4 stars; one submission).

Conditions:
Glycogen storage disease IXa1. Also called: GLYCOGEN STORAGE DISEASE VIII; GSD VIII; Glycogen storage disease 8; LIVER GLYCOGENOSIS, X-LINKED, TYPE I. Identifiers: Orphanet 264580, MedGen C3694531, MONDO:0010598, OMIM 306000.

Allele frequency attached by ClinVar (database versions not stated): gnomAD exomes below 0.00001.
gnomAD v4.1: 5 of 1,209,473 alleles (0.00041%); highest among the groups gnomAD compares: Non-Finnish European, 0.00056%; no homozygotes.

Submission:

Labcorp Genetics (formerly Invitae), Labcorp
Classification: Uncertain significance for Glycogen storage disease IXa1. Last evaluated: 2024-05-22. Review status: criteria provided, single submitter. Criteria: Invitae Variant Classification Sherloc (09022015). Collection method: clinical testing. Allele origin: germline.
Comment: This sequence change replaces arginine, which is basic and polar, with cysteine, which is neutral and slightly polar, at codon 1069 of the PHKA2 protein (p.Arg1069Cys). This variant is not present in population databases (gnomAD no frequency). This variant has not been reported in the literature in individuals affected with PHKA2-related conditions. ClinVar contains an entry for this variant (Variation ID: 2168050). Advanced modeling of protein sequence and biophysical properties (such as structural, functional, and spatial information, amino acid conservation, physicochemical variation, residue mobility, and thermodynamic stability) has been performed at Invitae for this missense variant, however the output from this modeling did not meet the statistical confidence thresholds required to predict the impact of this variant on PHKA2 protein function. In summary, the available evidence is currently insufficient to determine the role of this variant in disease. Therefore, it has been classified as a Variant of Uncertain Significance.

NM_000292.3(PHKA2):c.3205C>T (p.Arg1069Cys)

Gene: PHKA2 (phosphorylase kinase regulatory subunit alpha 2; minus strand). Cytogenetic location: Xp22.13.
Variant type: single nucleotide variant.
Coding change: c.3205C>T on transcript NM_000292.3 (MANE Select); coding-DNA position 3205, C replaced by T.
Protein change: p.Arg1069Cys; replaces arginine 1069 with cysteine.
Molecular consequence: missense variant.
Genome position (GRCh38, 1-based): chrX:18,897,240, G>A on the plus strand (C>T on the coding strand, the complement: PHKA2 is on the minus strand). VCF-style: chrX-18897240-G-A. GRCh37 (hg19) VCF-style: chrX-18915358-G-A.
Other names: short protein forms R1069C.
Identifiers: ClinVar variation 2168050 (VCV002168050.4), dbSNP rs746210406, ClinGen allele CA412378818.
Genomic context (GRCh38, chrX:18,897,240, plus strand): 5'-ACACCCTCTGGTAGAATCCCACGGGGACCCTGTTGATGGCCCCATCCAGCCTTCTCCTGC[G>A]CAGCCACTGGCCCTGCCGCTCACCCCAGCCGATGTGATGTCCTCCCGAGTCTGAGGATGA-3'
Protein context (NP_000283.1, residues 1059-1079): GWGERQGQWL[Arg1069Cys]RRRLDGAINR